The following is an entry in ClinVar:

NM_001042492.3(NF1):c.312del (p.Asp105fs)

Gene: NF1 (neurofibromin 1; plus strand). Cytogenetic location: 17q11.2.
Variant type: Deletion.
Coding change: c.312del on transcript NM_001042492.3 (MANE Select); coding-DNA position 312, one base deleted (A; older notation c.312delA).
Protein change: p.Asp105fs; shifts the reading frame from aspartic acid 105.
Molecular consequence: frameshift variant.
Genome position (GRCh38, 1-based): chr17:31,163,209, A deleted. VCF-style (leftmost placement, unchanged base first): chr17-31163208-TA-T. GRCh37 (hg19) VCF-style: chr17-29490226-TA-T.
Other names: c.312delA, p.Asp105Metfs (NM_000267.4); c.312del, p.Asp105fs (NM_001128147.3); short protein forms D105fs.
Identifiers: ClinVar variation 2123120 (VCV002123120.4), dbSNP rs2544700259, ClinGen allele CA2580092783.
Genomic context (GRCh38, chr17:31,163,208, plus strand): 5'-AATTAAAGTTTAGAATAATGTGATTATTTCTATTTTAGCAACCAAAGGACACAATGAGAT[TA>T]GATGAAACGATGCTGGTCAAACAGTTGCTGCCAGAAATCTGCCATTTTCTTCACACCTGT-3'

ClinVar aggregate classification (germline): Pathogenic (1 of 4 stars; one submission).

Conditions:
Neurofibromatosis, type 1 (NF1). Also called: Peripheral type neurofibromatosis; NEUROFIBROMATOSIS, TYPE I, SOMATIC; Neurofibromatosis, type I; VON RECKLINGHAUSEN DISEASE. Identifiers: Orphanet 636, MedGen C0027831, MONDO:0018975, OMIM 162200. Disease mechanism: loss of function.

Submission:

Labcorp Genetics (formerly Invitae), Labcorp
Classification: Pathogenic for Neurofibromatosis, type 1. Last evaluated: 2022-05-16. Review status: criteria provided, single submitter. Criteria: Invitae Variant Classification Sherloc (09022015). Collection method: clinical testing. Allele origin: germline.
Comment: This sequence change creates a premature translational stop signal (p.Asp105Metfs*60) in the NF1 gene. It is expected to result in an absent or disrupted protein product. Loss-of-function variants in NF1 are known to be pathogenic (PMID: 10712197, 23913538). For these reasons, this variant has been classified as Pathogenic. This variant has not been reported in the literature in individuals affected with NF1-related conditions. This variant is not present in population databases (gnomAD no frequency).

Literature cited by the submitters: PubMed 10712197; PubMed 23913538.